The following is an entry in ClinVar:

NC_000022.10:g.(?_38541425)_(38541680_?)del

Gene: PLA2G6 (phospholipase A2 group VI; minus strand). Cytogenetic location: 22q13.1.
Variant type: Deletion.
Identifiers: ClinVar variation 2424702 (VCV002424702.4).

ClinVar aggregate classification (germline): Likely pathogenic (1 of 4 stars; one submission).

Conditions:
Infantile neuroaxonal dystrophy (NBIA2A). Also called: Infantile neuroaxonal dystrophy 1; NEURODEGENERATION WITH BRAIN IRON ACCUMULATION 2A; SEITELBERGER DISEASE. Identifiers: Orphanet 35069, MedGen C0270724, MONDO:0024457, OMIM 256600.

Submission:

Labcorp Genetics (formerly Invitae), Labcorp
Classification: Likely pathogenic for Infantile neuroaxonal dystrophy. Last evaluated: 2022-08-15. Review status: criteria provided, single submitter. Criteria: Invitae Variant Classification Sherloc (09022015). Collection method: clinical testing. Allele origin: germline.
Comment: In summary, the currently available evidence indicates that the variant is pathogenic, but additional data are needed to prove that conclusively. Therefore, this variant has been classified as Likely Pathogenic. A similar copy number variant has been observed in individual(s) with PLA2G6-related conditions (PMID: 21520282). It has also been observed to segregate with disease in related individuals. This variant is a gross deletion of the genomic region encompassing exon(s) 3 of the PLA2G6 gene. This variant would be expected to be in-frame, preserving the integrity of the reading frame.

Literature cited by the submitters: PubMed 21520282.